The following is an entry in ClinVar:

NM_001148.6(ANK2):c.6833A>C (p.Glu2278Ala)

Genes: ANK2 (ankyrin 2; plus strand), LOC126807137 (CDK7 strongly-dependent group 2 enhancer GRCh37_chr4:114276560-114277759; plus strand). Cytogenetic location: 4q26.
Variant type: single nucleotide variant.
Coding change: c.6833A>C on transcript NM_001148.6 (MANE Select); coding-DNA position 6833, A replaced by C.
Protein change: p.Glu2278Ala; replaces glutamic acid 2278 with alanine.
Molecular consequence: missense variant. On other transcripts: intron variant (68).
Genome position (GRCh38, 1-based): chr4:113,355,451, A>C. VCF-style: chr4-113355451-A-C. GRCh37 (hg19) VCF-style: chr4-114276607-A-C.
Other names: c.6599A>C, p.Glu2200Ala (NM_001386142.1); c.3233A>C, p.Glu1078Ala (NM_001386166.1); c.6974A>C, p.Glu2325Ala (NM_001386174.1); c.6950A>C, p.Glu2317Ala (NM_001386175.1); c.4411+5202A>C (NM_001386186.2, NM_001386148.2); c.4213+5202A>C (NM_001354269.3); c.4291+5202A>C (NM_001386187.2); c.4252+5202A>C (NM_001386147.1); and 35 more; short protein forms E1078A, E2278A, E2200A, E2317A, E2325A.
Identifiers: ClinVar variation 3294970 (VCV003294970.5).
Genomic context (GRCh38, chr4:113,355,451, plus strand): 5'-CTGGGGAAACAAAGGAAAGCACCAAGACAGAAACCACCACAGAAATTCGTTCAGAAAAAG[A>C]GCATCCCACGACCAAAGACATTACTGGTGGCTCTGAAGAGCGAGGTGCCACAGTCACTGA-3'
Protein context (NP_001139.3, residues 2268-2288): ETTTEIRSEK[Glu2278Ala]HPTTKDITGG

ClinVar aggregate classification (germline): Conflicting classifications of pathogenicity. Review status: criteria provided, conflicting classifications (1 of 4 stars). 3 submissions from 3 submitters: Uncertain significance (2); Likely benign (1). Last evaluated 2025-03-26.

Conditions:
Cardiovascular phenotype. Identifiers: MedGen CN230736.
Long QT syndrome (LQTS). Identifiers: MedGen C0023976, MeSH D008133, MONDO:0002442. Disease mechanism: loss of function. Inheritance: Various modes of inheritance.

gnomAD v4.1: 25 of 1,613,896 alleles (0.0015%); highest among the groups gnomAD compares: Non-Finnish European, 0.0021%; no homozygotes.

Submissions (3):

Ambry Genetics
Classification: Likely benign for Cardiovascular phenotype. Last evaluated: 2025-03-26. Review status: criteria provided, single submitter. Criteria: Ambry Variant Classification Scheme 2023. Collection method: clinical testing. Allele origin: germline.

Blueprint Genetics
Classification: Uncertain significance. Last evaluated: 2024-05-06. Review status: criteria provided, single submitter. Criteria: ACMG Guidelines, 2015. Collection method: clinical testing. Allele origin: germline.

Labcorp Genetics (formerly Invitae), Labcorp
Classification: Uncertain significance for Long QT syndrome. Last evaluated: 2024-04-25. Review status: criteria provided, single submitter. Criteria: Invitae Variant Classification Sherloc (09022015). Collection method: clinical testing. Allele origin: germline.
Comment: This sequence change replaces glutamic acid, which is acidic and polar, with alanine, which is neutral and non-polar, at codon 2278 of the ANK2 protein (p.Glu2278Ala). This variant is present in population databases (no rsID available, gnomAD 0.002%). This variant has not been reported in the literature in individuals affected with ANK2-related conditions. Advanced modeling of protein sequence and biophysical properties (such as structural, functional, and spatial information, amino acid conservation, physicochemical variation, residue mobility, and thermodynamic stability) performed at Invitae indicates that this missense variant is expected to disrupt ANK2 protein function with a positive predictive value of 80%. In summary, the available evidence is currently insufficient to determine the role of this variant in disease. Therefore, it has been classified as a Variant of Uncertain Significance.